The following is an entry in ClinVar:

ClinVar aggregate classification (germline): Likely benign. Review status: criteria provided, multiple submitters, no conflicts (2 of 4 stars). 3 submissions from 3 submitters: Likely benign (3). Last evaluated 2022-12-29.

Conditions:
Hypertrophic cardiomyopathy 1 (CMH1). Also called: Familial hypertrophic cardiomyopathy 1; MYH7-Related Familial Hypertrophic Cardiomyopathy. Identifiers: MedGen C3495498, MONDO:0008647, OMIM 192600.

Allele frequency attached by ClinVar (database versions not stated): gnomAD exomes below 0.00001 and 0.00001; gnomAD 0.00001; TOPMed 0.00001.
gnomAD v4.1: 14 of 1,604,464 alleles (0.00087%); highest among the groups gnomAD compares: African/African-American, 0.0027%; no homozygotes.

Submissions (3):

Labcorp Genetics (formerly Invitae), Labcorp
Classification: Likely benign for Hypertrophic cardiomyopathy 1. Last evaluated: 2022-12-29. Review status: criteria provided, single submitter. Criteria: Invitae Variant Classification Sherloc (09022015). Collection method: clinical testing. Allele origin: germline.

GeneDx
Classification: Likely benign. Last evaluated: 2015-10-16. Review status: criteria provided, single submitter. Criteria: GeneDx Variant Classification (06012015). Collection method: clinical testing. Allele origin: germline. Affected: yes.
Comment: This variant is considered likely benign or benign based on one or more of the following criteria: it is a conservative change, it occurs at a poorly conserved position in the protein, it is predicted to be benign by multiple in silico algorithms, and/or has population frequency not consistent with disease.

Laboratory for Molecular Medicine, Mass General Brigham Personalized Medicine
Classification: Likely benign. Last evaluated: 2015-07-01. Review status: criteria provided, single submitter. Criteria: LMM Criteria. Collection method: clinical testing. Allele origin: germline. Observed: 1 variant allele.
Comment: c.972+13C>T in intron 6 of MYLK2: This variant is not expected to have clinical significance because it is not located within the splice consensus sequence.

NM_033118.4(MYLK2):c.972+13C>T

Gene: MYLK2 (myosin light chain kinase 2; plus strand). Cytogenetic location: 20q11.21.
Variant type: single nucleotide variant.
Coding change: c.972+13C>T on transcript NM_033118.4 (MANE Select); 13 bases into the intron after coding-DNA position 972, C replaced by T.
Molecular consequence: intron variant.
Genome position (GRCh38, 1-based): chr20:31,824,365, C>T. VCF-style: chr20-31824365-C-T. GRCh37 (hg19) VCF-style: chr20-30412168-C-T.
Identifiers: ClinVar variation 227628 (VCV000227628.7), dbSNP rs876657524, ClinGen allele CA10577119.